The following is an entry in ClinVar:

NM_001942.4(DSG1):c.1156C>G (p.Arg386Gly)

Gene: DSG1 (desmoglein 1; plus strand). Cytogenetic location: 18q12.1.
Variant type: single nucleotide variant.
Coding change: c.1156C>G on transcript NM_001942.4 (MANE Select); coding-DNA position 1156, C replaced by G.
Protein change: p.Arg386Gly; replaces arginine 386 with glycine.
Molecular consequence: missense variant.
Genome position (GRCh38, 1-based): chr18:31,336,504, C>G. VCF-style: chr18-31336504-C-G. GRCh37 (hg19) VCF-style: chr18-28916467-C-G.
Other names: c.1156C>G (NM_001942.3); short protein forms R386G.
Identifiers: ClinVar variation 1379315 (VCV001379315.7), dbSNP rs200495041, ClinGen allele CA402133867.
Genomic context (GRCh38, chr18:31,336,504, plus strand): 5'-AAACTGAAAGCATCTGCAATTTCTGTGACTGTGTTAAATGTAATTGAAGGCCCAGTGTTT[C>G]GTCCAGGTTCAAAGACATATGTTGTAACTGGTAATATGGGATCAAATGATAAAGTGGGAG-3'
Protein context (NP_001933.2, residues 376-396): VLNVIEGPVF[Arg386Gly]PGSKTYVVTG

ClinVar aggregate classification (germline): Uncertain significance. Review status: criteria provided, multiple submitters, no conflicts (2 of 4 stars). 2 submissions from 2 submitters: Uncertain significance (2). Last evaluated 2025-10-23.

Conditions:
DSG1-related disorder. Also called: DSG1-related condition.

gnomAD v4.1: 7 of 1,613,882 alleles (0.00043%); highest among the groups gnomAD compares: Non-Finnish European, 0.00051%; no homozygotes.

Submissions (2):

Labcorp Genetics (formerly Invitae), Labcorp
Classification: Uncertain significance. Last evaluated: 2025-10-23. Review status: criteria provided, single submitter. Criteria: Invitae Variant Classification Sherloc (09022015). Collection method: clinical testing. Allele origin: germline.
Comment: This sequence change replaces arginine, which is basic and polar, with glycine, which is neutral and non-polar, at codon 386 of the DSG1 protein (p.Arg386Gly). This variant is not present in population databases (gnomAD no frequency). This variant has not been reported in the literature in individuals affected with DSG1-related conditions. ClinVar contains an entry for this variant (Variation ID: 1379315). Invitae Evidence Modeling of protein sequence and biophysical properties (such as structural, functional, and spatial information, amino acid conservation, physicochemical variation, residue mobility, and thermodynamic stability) indicates that this missense variant is not expected to disrupt DSG1 protein function with a negative predictive value of 80%. In summary, the available evidence is currently insufficient to determine the role of this variant in disease. Therefore, it has been classified as a Variant of Uncertain Significance.

PreventionGenetics, part of Exact Sciences
Classification: Uncertain significance for DSG1-related condition. Last evaluated: 2024-12-17. Review status: criteria provided, single submitter. Criteria: ACMG Guidelines, 2015. Collection method: clinical testing. Allele origin: germline.
Comment: The DSG1 c.1156C>G variant is predicted to result in the amino acid substitution p.Arg386Gly. To our knowledge, this variant has not been reported in the literature or in a large population database (gnomAD), indicating this variant is rare. At this time, the clinical significance of this variant is uncertain due to the absence of conclusive functional and genetic evidence.